The following is an entry in ClinVar:

ClinVar aggregate classification (germline): Likely pathogenic (1 of 4 stars; one submission).

Conditions:
Immunodeficiency 23 (IMD23). Also called: IMMUNODEFICIENCY WITH HYPER IgE AND COGNITIVE IMPAIRMENT; IMMUNODEFICIENCY-VASCULITIS-MYOCLONUS SYNDROME. Identifiers: Orphanet 443811, MedGen C4014371, MONDO:0014353, OMIM 615816.

Allele frequency attached by ClinVar (database versions not stated): TOPMed 0.00001.

Submission:

Labcorp Genetics (formerly Invitae), Labcorp
Classification: Likely pathogenic for Immunodeficiency 23. Last evaluated: 2023-05-24. Review status: criteria provided, single submitter. Criteria: Invitae Variant Classification Sherloc (09022015). Collection method: clinical testing. Allele origin: germline.
Comment: This variant has been observed in individual(s) with PGM3-related conditions (PMID: 30157810). In summary, the currently available evidence indicates that the variant is pathogenic, but additional data are needed to prove that conclusively. Therefore, this variant has been classified as Likely Pathogenic. Variants that disrupt the consensus splice site are a relatively common cause of aberrant splicing (PMID: 17576681, 9536098). Studies have shown that this variant is associated with altered splicing resulting in multiple RNA products (PMID: 30157810). Studies have shown that this variant alters PGM3 gene expression (PMID: 30157810). This variant is not present in population databases (gnomAD no frequency). This sequence change falls in intron 7 of the PGM3 gene. It does not directly change the encoded amino acid sequence of the PGM3 protein. It affects a nucleotide within the consensus splice site.

Literature cited by the submitters: PubMed 30157810; PubMed 17576681; PubMed 9536098.

NM_015599.3(PGM3):c.787+3A>G

Gene: PGM3 (phosphoglucomutase 3; minus strand). Cytogenetic location: 6q14.1.
Variant type: single nucleotide variant.
Coding change: c.787+3A>G on transcript NM_015599.3 (MANE Select); 3 bases into the intron after coding-DNA position 787, A replaced by G.
Molecular consequence: intron variant.
Genome position (GRCh38, 1-based): chr6:83,181,733, T>C on the plus strand (A>G on the coding strand, the complement: PGM3 is on the minus strand). VCF-style: chr6-83181733-T-C. GRCh37 (hg19) VCF-style: chr6-83891452-T-C.
Other names: c.871+3A>G (NM_001199917.2, NM_001367287.1); c.544+3A>G (NM_001199918.2); c.787+3A>G (NM_001367286.1, NM_001199919.2).
Identifiers: ClinVar variation 2910202 (VCV002910202.3), dbSNP rs1788192479, ClinGen allele CA1642414207.